The following is an entry in ClinVar:

ClinVar aggregate classification (germline): Conflicting classifications of pathogenicity. Review status: criteria provided, conflicting classifications (1 of 4 stars). 3 submissions from 3 submitters: Uncertain significance (2); Likely benign (1). Last evaluated 2026-01-21.

Conditions:
Hereditary cancer-predisposing syndrome. Also called: Neoplastic Syndromes, Hereditary; Tumor predisposition; Hereditary Cancer Syndrome; Hereditary neoplastic syndrome. Identifiers: Orphanet 140162, MedGen C0027672, MeSH D009386, MONDO:0015356.
Tuberous sclerosis syndrome (TSC). Also called: Tuberous Sclerosis Complex; Tuberous sclerosis. Identifiers: Orphanet 805, MedGen C0041341, MONDO:0001734.
Tuberous sclerosis 1 (TSC1). Identifiers: Orphanet 805, MedGen C1854465, MONDO:0008612, OMIM 191100.

Submissions (3):

Labcorp Genetics (formerly Invitae), Labcorp
Classification: Uncertain significance for Tuberous sclerosis 1. Last evaluated: 2026-01-21. Review status: criteria provided, single submitter. Criteria: Invitae Variant Classification Sherloc (09022015). Collection method: clinical testing. Allele origin: germline.
Comment: This sequence change replaces valine, which is neutral and non-polar, with isoleucine, which is neutral and non-polar, at codon 175 of the TSC1 protein (p.Val175Ile). This variant is not present in population databases (gnomAD no frequency). This variant has not been reported in the literature in individuals affected with TSC1-related conditions. ClinVar contains an entry for this variant (Variation ID: 1746284). Invitae Evidence Modeling of protein sequence and biophysical properties (such as structural, functional, and spatial information, amino acid conservation, physicochemical variation, residue mobility, and thermodynamic stability) indicates that this missense variant is not expected to disrupt TSC1 protein function with a negative predictive value of 95%. In summary, the available evidence is currently insufficient to determine the role of this variant in disease. Therefore, it has been classified as a Variant of Uncertain Significance.

Color Diagnostics, LLC DBA Color Health
Classification: Uncertain significance for Tuberous sclerosis syndrome. Last evaluated: 2025-08-12. Review status: criteria provided, single submitter. Criteria: ACMG Guidelines, 2015. Collection method: clinical testing. Allele origin: germline.
Comment: This missense variant replaces valine with isoleucine at codon 175 of the TSC1 protein. Computational prediction suggests that this variant may not impact protein structure and function. To our knowledge, functional studies have not been reported for this variant. This variant has not been reported in individuals affected with TSC1-related disorders in the literature. This variant has not been identified in the general population by the Genome Aggregation Database (gnomAD). The available evidence is insufficient to determine the role of this variant in disease conclusively. Therefore, this variant is classified as a Variant of Uncertain Significance.

Ambry Genetics
Classification: Likely benign for Hereditary cancer-predisposing syndrome. Last evaluated: 2020-09-10. Review status: criteria provided, single submitter. Criteria: Ambry Variant Classification Scheme 2023. Collection method: clinical testing. Allele origin: germline.

NM_000368.5(TSC1):c.523G>A (p.Val175Ile)

Gene: TSC1 (TSC complex subunit 1; minus strand). Cytogenetic location: 9q34.13.
Variant type: single nucleotide variant.
Coding change: c.523G>A on transcript NM_000368.5 (MANE Select); coding-DNA position 523, G replaced by A.
Protein change: p.Val175Ile; replaces valine 175 with isoleucine.
Molecular consequence: missense variant.
Genome position (GRCh38, 1-based): chr9:132,921,959, C>T on the plus strand (G>A on the coding strand, the complement: TSC1 is on the minus strand). VCF-style: chr9-132921959-C-T. GRCh37 (hg19) VCF-style: chr9-135797346-C-T.
Other names: c.523G>A, p.Val175Ile (NM_001162426.2, NM_001406592.1, NM_001406593.1 and 16 more transcripts); c.370G>A, p.Val124Ile (NM_001162427.2, NM_001406610.1, NM_001406611.1 and 2 more transcripts); c.160G>A, p.Val54Ile (NM_001362177.2, NM_001406614.1, NM_001406615.1 and 10 more transcripts); c.-355G>A (NM_001406626.1, NM_001406627.1, NM_001406628.1); c.-497G>A (NM_001406629.1); c.-571G>A (NM_001406630.1); short protein forms V54I, V124I, V175I.
Identifiers: ClinVar variation 1746284 (VCV001746284.3), dbSNP rs1564498330, ClinGen allele CA375372898.